The following is an entry in ClinVar:

ClinVar aggregate classification (germline): Uncertain significance. Review status: criteria provided, multiple submitters, no conflicts (2 of 4 stars). 3 submissions from 3 submitters: Uncertain significance (3). Last evaluated 2023-12-13.

Conditions:
Classic or attenuated familial adenomatous polyposis. Identifiers: MedGen CN372698, MONDO:0021057.
Familial adenomatous polyposis 1 (FAP1). Also called: POLYPOSIS, ADENOMATOUS INTESTINAL; FAMILIAL ADENOMATOUS POLYPOSIS 1, ATTENUATED. Identifiers: MedGen C2713442, MONDO:0021056, OMIM 175100. Disease mechanism: loss of function.
Hereditary cancer-predisposing syndrome. Also called: Tumor predisposition; Hereditary Cancer Syndrome; Neoplastic Syndromes, Hereditary; Hereditary neoplastic syndrome. Identifiers: Orphanet 140162, MedGen C0027672, MeSH D009386, MONDO:0015356.

Submissions (3):

Labcorp Genetics (formerly Invitae), Labcorp
Classification: Uncertain significance for Familial adenomatous polyposis 1. Last evaluated: 2023-12-13. Review status: criteria provided, single submitter. Criteria: Invitae Variant Classification Sherloc (09022015). Collection method: clinical testing. Allele origin: germline.
Comment: This sequence change replaces threonine, which is neutral and polar, with serine, which is neutral and polar, at codon 1430 of the APC protein (p.Thr1430Ser). This variant is not present in population databases (gnomAD no frequency). This variant has not been reported in the literature in individuals affected with APC-related conditions. ClinVar contains an entry for this variant (Variation ID: 1332461). Advanced modeling of protein sequence and biophysical properties (such as structural, functional, and spatial information, amino acid conservation, physicochemical variation, residue mobility, and thermodynamic stability) performed at Invitae indicates that this missense variant is not expected to disrupt APC protein function with a negative predictive value of 95%. In summary, the available evidence is currently insufficient to determine the role of this variant in disease. Therefore, it has been classified as a Variant of Uncertain Significance.

All of Us Research Program, National Institutes of Health
Classification: Uncertain significance for Classic or attenuated familial adenomatous polyposis. Last evaluated: 2023-05-16. Review status: criteria provided, single submitter. Criteria: ACMG Guidelines, 2015. Collection method: clinical testing. Allele origin: germline. Inheritance: Autosomal dominant inheritance. Observed: 1 variant allele, 1 heterozygote.
Comment: This missense variant replaces threonine with serine at codon 1430 of the APC protein. Computational prediction suggests that this variant may not impact protein structure and function (internally defined REVEL score threshold <= 0.5, PMID: 27666373). To our knowledge, functional studies have not been reported for this variant. This variant has not been reported in individuals affected with APC-related disorders in the literature. This variant has not been identified in the general population by the Genome Aggregation Database (gnomAD). The available evidence is insufficient to determine the role of this variant in disease conclusively. Therefore, this variant is classified as a Variant of Uncertain Significance.

This study involves interpretation of variants in research participants for the purpose of population health screening. Participant phenotype was not available at the time of variant classification. Additional details can be found in publication PMID: 35346344, PMCID: PMC8962531

Color Diagnostics, LLC DBA Color Health
Classification: Uncertain significance for Hereditary cancer-predisposing syndrome. Last evaluated: 2023-04-27. Review status: criteria provided, single submitter. Criteria: ACMG Guidelines, 2015. Collection method: clinical testing. Allele origin: germline.
Comment: This missense variant replaces threonine with serine at codon 1430 of the APC protein. Computational prediction suggests that this variant may not impact protein structure and function (internally defined REVEL score threshold <= 0.5, PMID: 27666373). To our knowledge, functional studies have not been reported for this variant. This variant has not been reported in individuals affected with APC-related disorders in the literature. This variant has not been identified in the general population by the Genome Aggregation Database (gnomAD). The available evidence is insufficient to determine the role of this variant in disease conclusively. Therefore, this variant is classified as a Variant of Uncertain Significance.

NM_000038.6(APC):c.4289C>G (p.Thr1430Ser)

Gene: APC (APC regulator of Wnt signaling pathway; plus strand). Cytogenetic location: 5q22.2.
Variant type: single nucleotide variant.
Coding change: c.4289C>G on transcript NM_000038.6 (MANE Select); coding-DNA position 4289, C replaced by G.
Protein change: p.Thr1430Ser; replaces threonine 1430 with serine.
Molecular consequence: missense variant.
Genome position (GRCh38, 1-based): chr5:112,839,883, C>G. VCF-style: chr5-112839883-C-G. GRCh37 (hg19) VCF-style: chr5-112175580-C-G.
Other names: c.4289C>G, p.Thr1430Ser (NM_001127510.3, NM_001354895.2); c.4235C>G, p.Thr1412Ser (NM_001127511.3); c.4343C>G, p.Thr1448Ser (NM_001354896.2); c.4319C>G, p.Thr1440Ser (NM_001354897.2); c.4214C>G, p.Thr1405Ser (NM_001354898.2); c.4205C>G, p.Thr1402Ser (NM_001354899.2); c.4166C>G, p.Thr1389Ser (NM_001354900.2); c.4112C>G, p.Thr1371Ser (NM_001354901.2); and 5 more; short protein forms T1147S, T1270S, T1304S, T1329S, T1339S, T1371S, T1389S, T1402S.
Identifiers: ClinVar variation 1332461 (VCV001332461.7), dbSNP rs1580646079, ClinGen allele CA16030730.